The following is an entry in ClinVar:

NM_015378.4(VPS13D):c.3793G>T (p.Ala1265Ser)

Gene: VPS13D (vacuolar protein sorting 13 homolog D; plus strand). Cytogenetic location: 1p36.22.
Variant type: single nucleotide variant.
Coding change: c.3793G>T on transcript NM_015378.4 (MANE Select); coding-DNA position 3793, G replaced by T.
Protein change: p.Ala1265Ser; replaces alanine 1265 with serine.
Molecular consequence: missense variant.
Genome position (GRCh38, 1-based): chr1:12,277,381, G>T. VCF-style: chr1-12277381-G-T. GRCh37 (hg19) VCF-style: chr1-12337438-G-T.
Other names: c.3793G>T, p.Ala1265Ser (NM_018156.4); c.3793G>T (NM_015378.2); short protein forms A1265S.
Identifiers: ClinVar variation 2139055 (VCV002139055.6), dbSNP rs1317415883, ClinGen allele CA338476566.
Genomic context (GRCh38, chr1:12,277,381, plus strand): 5'-GAAAATATCATCAGTGATATTGGCTACTTTGAATCTGTGTTTGTCAGAATGGAAGATGCA[G>T]CCCTCACTGAAGCTTTGAGTTTCACGTTTGTTGAGAGATCTAAACAGGAGTGTTTTCTCA-3'
Protein context (NP_056193.2, residues 1255-1275): ESVFVRMEDA[Ala1265Ser]LTEALSFTFV

ClinVar aggregate classification (germline): Uncertain significance. Review status: criteria provided, multiple submitters, no conflicts (2 of 4 stars). 2 submissions from 2 submitters: Uncertain significance (2). Last evaluated 2025-11-08.

Conditions:
Inborn genetic diseases. Identifiers: MedGen C0950123, MeSH D030342.

Allele frequency attached by ClinVar (database versions not stated): TOPMed 0.00003.
gnomAD v4.1: 8 of 1,614,084 alleles (0.0005%); highest among the groups gnomAD compares: Admixed American, 0.013%; no homozygotes.

Submissions (2):

Ambry Genetics
Classification: Uncertain significance for Inborn genetic diseases. Last evaluated: 2025-11-08. Review status: criteria provided, single submitter. Criteria: Ambry Variant Classification Scheme 2023. Collection method: clinical testing. Allele origin: germline.

Labcorp Genetics (formerly Invitae), Labcorp
Classification: Uncertain significance. Last evaluated: 2025-04-21. Review status: criteria provided, single submitter. Criteria: Invitae Variant Classification Sherloc (09022015). Collection method: clinical testing. Allele origin: germline.
Comment: This sequence change replaces alanine, which is neutral and non-polar, with serine, which is neutral and polar, at codon 1265 of the VPS13D protein (p.Ala1265Ser). This variant is present in population databases (no rsID available, gnomAD 0.009%). This variant has not been reported in the literature in individuals affected with VPS13D-related conditions. ClinVar contains an entry for this variant (Variation ID: 2139055). Invitae Evidence Modeling of protein sequence and biophysical properties (such as structural, functional, and spatial information, amino acid conservation, physicochemical variation, residue mobility, and thermodynamic stability) indicates that this missense variant is not expected to disrupt VPS13D protein function with a negative predictive value of 80%. In summary, the available evidence is currently insufficient to determine the role of this variant in disease. Therefore, it has been classified as a Variant of Uncertain Significance.